The following is an entry in ClinVar:

ClinVar aggregate classification (germline): Uncertain significance. Review status: criteria provided, multiple submitters, no conflicts (2 of 4 stars). 2 submissions from 2 submitters: Uncertain significance (2). Last evaluated 2023-12-14.

Conditions:
Dilated cardiomyopathy 1W (CMD1W). Identifiers: Orphanet 154, MedGen C1969639, MONDO:0012667, OMIM 611407.

Allele frequency attached by ClinVar (database versions not stated): gnomAD exomes below 0.00001; TOPMed 0.00001.
gnomAD v4.1: 1 of 1,614,214 alleles (0.000062%); highest among the groups gnomAD compares: African/African-American, 0.0013%; no homozygotes.

Submissions (2):

GeneDx
Classification: Uncertain significance. Last evaluated: 2023-12-14. Review status: criteria provided, single submitter. Criteria: GeneDx Variant Classification Process June 2021. Collection method: clinical testing. Allele origin: germline. Affected: yes.
Comment: Not observed at significant frequency in large population cohorts (gnomAD); In silico analysis supports that this missense variant does not alter protein structure/function; Has not been previously published as pathogenic or benign to our knowledge

Labcorp Genetics (formerly Invitae), Labcorp
Classification: Uncertain significance for Dilated cardiomyopathy 1W. Last evaluated: 2022-10-10. Review status: criteria provided, single submitter. Criteria: Invitae Variant Classification Sherloc (09022015). Collection method: clinical testing. Allele origin: germline.
Comment: Algorithms developed to predict the effect of missense changes on protein structure and function are either unavailable or do not agree on the potential impact of this missense change (SIFT: "Not Available"; PolyPhen-2: "Probably Damaging"; Align-GVGD: "Not Available"). In summary, the available evidence is currently insufficient to determine the role of this variant in disease. Therefore, it has been classified as a Variant of Uncertain Significance. This variant has not been reported in the literature in individuals affected with VCL-related conditions. This variant is not present in population databases (gnomAD no frequency). This sequence change replaces methionine, which is neutral and non-polar, with threonine, which is neutral and polar, at codon 741 of the VCL protein (p.Met741Thr).

NM_014000.3(VCL):c.2222T>C (p.Met741Thr)

Gene: VCL (vinculin; plus strand). Cytogenetic location: 10q22.2.
Variant type: single nucleotide variant.
Coding change: c.2222T>C on transcript NM_014000.3 (MANE Select); coding-DNA position 2222, T replaced by C.
Protein change: p.Met741Thr; replaces methionine 741 with threonine.
Molecular consequence: missense variant.
Genome position (GRCh38, 1-based): chr10:74,105,141, T>C. VCF-style: chr10-74105141-T-C. GRCh37 (hg19) VCF-style: chr10-75864899-T-C.
Other names: c.2222T>C, p.Met741Thr (NM_003373.4); short protein forms M741T.
Identifiers: ClinVar variation 2145233 (VCV002145233.3), dbSNP rs1840111306, ClinGen allele CA377262139.
Genomic context (GRCh38, chr10:74,105,141, plus strand): 5'-CTCTGTTGGATGCTTCAGAAGAAGCAATTAAAAAAGACCTGGACAAGTGCAAGGTAGCTA[T>C]GGCCAACATTCAGCCTCAGATGCTGGTTGCTGGGGCAACCAGTATTGCTCGTCGGGCCAA-3'
Protein context (NP_054706.1, residues 731-751): KKDLDKCKVA[Met741Thr]ANIQPQMLVA